The following is an entry in ClinVar:

ClinVar aggregate classification (germline): Uncertain significance (1 of 4 stars; one submission).

Conditions:
Inborn genetic diseases. Identifiers: MedGen C0950123, MeSH D030342.

Submission:

Ambry Genetics
Classification: Uncertain significance for Inborn genetic diseases. Last evaluated: 2024-08-29. Review status: criteria provided, single submitter. Criteria: Ambry Variant Classification Scheme 2023. Collection method: clinical testing. Allele origin: germline.
Comment: The c.306_308dupTTC (p.S103dup) alteration is located in exon 2 (coding exon 2) of the COL4A3BP gene. The alteration consists of an in-frame duplication of 3 nucleotides from position 306 to 308, resulting in the duplication of 1 residue. Based on insufficient or conflicting evidence, the clinical significance of this alteration remains unclear.

NM_001379029.1(CERT1):c.-79_-77dup

Genes: CERT1 (ceramide transporter 1; minus strand), POLK (DNA polymerase kappa; plus strand). Cytogenetic location: 5q13.3.
Variant type: Duplication.
Coding change: c.-79_-77dup on transcript NM_001379029.1 (MANE Select); 79 bases upstream of the start codon through 77 bases upstream of the start codon, 3 bases duplicated (TTC; older notation c.-79_-77dupTTC).
Molecular consequence: 5 prime UTR variant.
Genome position (GRCh38, 1-based): chr5:75,511,284-75,511,286, GAA duplicated on the plus strand (TTC on the coding strand, the reverse complement: CERT1 is on the minus strand); duplicating any 3 consecutive bases within chr5:75,511,284-75,511,287 gives the same sequence; the c. name uses the placement nearest the transcript's 3' end. VCF-style (leftmost placement, unchanged base first): chr5-75511283-T-TGAA. GRCh37 (hg19) VCF-style: chr5-74807108-T-TGAA.
Other names: c.306_308dup, p.Ser103_Pro104insSer (NM_001130105.1); c.-79_-77dup (NM_001379002.1, NM_001379003.1, NM_001379004.1 and 2 more transcripts); c.306_308dupTTC (NM_001130105.1).
Identifiers: ClinVar variation 3491065 (VCV003491065.1).